The following is an entry in ClinVar:

NM_001382391.1(CSPP1):c.3652_3662del (p.Trp1218fs)

Genes: ARFGEF1 (ARF guanine nucleotide exchange factor 1; minus strand), CSPP1 (centrosome and spindle pole associated protein 1; plus strand). Cytogenetic location: 8q13.2.
Variant type: Deletion.
Coding change: c.3652_3662del on transcript NM_001382391.1 (MANE Select); coding-DNA positions 3652 to 3662, 11 bases deleted (TGGCAGGGCCT).
Protein change: p.Trp1218fs; shifts the reading frame from tryptophan 1218.
Molecular consequence: frameshift variant. On other transcripts: 3 prime UTR variant (1), intron variant (2).
Genome position (GRCh38, 1-based): chr8:67,195,564-67,195,574, TGGCAGGGCCT deleted; deleting any 11 consecutive bases within chr8:67,195,562-67,195,574 gives the same sequence; the c. name uses the placement nearest the transcript's 3' end. VCF-style (leftmost placement, unchanged base first): chr8-67195561-ACTTGGCAGGGC-A. GRCh37 (hg19) VCF-style: chr8-68107796-ACTTGGCAGGGC-A.
Other names: c.2602_2612del, p.Trp868fs (NM_001291339.2); c.3571_3581del, p.Trp1191fs (NM_001363131.2); c.3457_3467del, p.Trp1153fs (NM_001363132.2); c.3376_3386del, p.Trp1126fs (NM_001363133.2); c.3718_3728del, p.Trp1240fs (NM_001364869.1); c.3538_3548del, p.Trp1180fs (NM_001364870.1); c.3484_3494del, p.Trp1162fs (NM_001438330.1); c.*144_*154del (NM_001438331.1); and 4 more; short protein forms W1213fs, W1126fs, W1240fs, W1180fs, W1191fs, W1218fs, W868fs, W1153fs.
Identifiers: ClinVar variation 2133868 (VCV002133868.4), dbSNP rs1361878544, ClinGen allele CA854509131.

ClinVar aggregate classification (germline): Uncertain significance (1 of 4 stars; one submission).

Conditions:
Joubert syndrome 21 (JBTS21). Identifiers: MedGen C3810212, MONDO:0014288, OMIM 615636.

Submission:

Labcorp Genetics (formerly Invitae), Labcorp
Classification: Uncertain significance for Joubert syndrome 21. Last evaluated: 2022-05-04. Review status: criteria provided, single submitter. Criteria: Invitae Variant Classification Sherloc (09022015). Collection method: clinical testing. Allele origin: germline.
Comment: This sequence change creates a premature translational stop signal (p.Trp1213Valfs*8) in the CSPP1 gene. While this is not anticipated to result in nonsense mediated decay, it is expected to disrupt the last 9 amino acid(s) of the CSPP1 protein. This variant is not present in population databases (gnomAD no frequency). This variant has not been reported in the literature in individuals affected with CSPP1-related conditions. In summary, the available evidence is currently insufficient to determine the role of this variant in disease. Therefore, it has been classified as a Variant of Uncertain Significance.